The following is an entry in ClinVar:

NM_014314.4(RIGI):c.1991G>A (p.Arg664His)

Gene: RIGI (RNA sensor RIG-I; minus strand). Cytogenetic location: 9p21.1.
Variant type: single nucleotide variant.
Coding change: c.1991G>A on transcript NM_014314.4 (MANE Select); coding-DNA position 1991, G replaced by A.
Protein change: p.Arg664His; replaces arginine 664 with histidine.
Molecular consequence: missense variant.
Genome position (GRCh38, 1-based): chr9:32,472,998, C>T on the plus strand (G>A on the coding strand, the complement: RIGI is on the minus strand). VCF-style: chr9-32472998-C-T. GRCh37 (hg19) VCF-style: chr9-32472996-C-T.
Other names: c.1991G>A (NM_014314.3); c.1985G>A, p.Arg662His (NM_001385907.1); c.1991G>A, p.Arg664His (NM_001385909.1); c.1550G>A, p.Arg517His (NM_001385910.1); c.1382G>A, p.Arg461His (NM_001385912.1); c.1976G>A, p.Arg659His (NM_001385913.1); c.1547G>A, p.Arg516His (NM_001385914.1); short protein forms R664H, R461H, R516H, R517H, R659H, R662H.
Identifiers: ClinVar variation 1511498 (VCV001511498.9), dbSNP rs367861982, ClinGen allele CA5019619.

ClinVar aggregate classification (germline): Uncertain significance. Review status: criteria provided, multiple submitters, no conflicts (2 of 4 stars). 2 submissions from 2 submitters: Uncertain significance (2). Last evaluated 2026-01-02.

Conditions:
Inborn genetic diseases. Identifiers: MedGen C0950123, MeSH D030342.

Allele frequency attached by ClinVar (database versions not stated): gnomAD exomes 0.00001 and 0.00005; gnomAD 0.00002 and 0.00003; ExAC 0.00003; TOPMed 0.00005.
gnomAD v4.1: 51 of 1,609,608 alleles (0.0032%); highest among the groups gnomAD compares: East Asian, 0.025%; no homozygotes.

Submissions (2):

Labcorp Genetics (formerly Invitae), Labcorp
Classification: Uncertain significance. Last evaluated: 2026-01-02. Review status: criteria provided, single submitter. Criteria: Invitae Variant Classification Sherloc (09022015). Collection method: clinical testing. Allele origin: germline.
Comment: This sequence change replaces arginine, which is basic and polar, with histidine, which is basic and polar, at codon 664 of the DDX58 protein (p.Arg664His). This variant is present in population databases (rs367861982, gnomAD 0.05%), and has an allele count higher than expected for a pathogenic variant. This variant has not been reported in the literature in individuals affected with DDX58-related conditions. ClinVar contains an entry for this variant (Variation ID: 1511498). Invitae Evidence Modeling of protein sequence and biophysical properties (such as structural, functional, and spatial information, amino acid conservation, physicochemical variation, residue mobility, and thermodynamic stability) indicates that this missense variant is expected to disrupt DDX58 protein function with a positive predictive value of 80%. In summary, the available evidence is currently insufficient to determine the role of this variant in disease. Therefore, it has been classified as a Variant of Uncertain Significance.

Ambry Genetics
Classification: Uncertain significance for Inborn genetic diseases. Last evaluated: 2022-01-19. Review status: criteria provided, single submitter. Criteria: Ambry Variant Classification Scheme 2023. Collection method: clinical testing. Allele origin: germline.